The following is an entry in ClinVar:

ClinVar aggregate classification (germline): Pathogenic/Likely pathogenic. Review status: criteria provided, multiple submitters, no conflicts (2 of 4 stars). 3 submissions from 3 submitters: Pathogenic (1); Likely pathogenic (2). Last evaluated 2026-02-18.

Conditions:
Primary ciliary dyskinesia. Also called: Ciliary dyskinesia. Identifiers: Orphanet 244, MedGen C0008780, MONDO:0016575, HP:0012265.
Primary ciliary dyskinesia 15. Also called: CILIARY DYSKINESIA, PRIMARY, 15, WITH OR WITHOUT SITUS INVERSUS. Identifiers: Orphanet 244, MedGen C3151137, MONDO:0013435, OMIM 613808.

Allele frequency attached by ClinVar (database versions not stated): gnomAD exomes below 0.00001; gnomAD 0.00001; TOPMed 0.00002.
gnomAD v4.1: 8 of 1,613,794 alleles (0.0005%); highest among the groups gnomAD compares: South Asian, 0.0033%; no homozygotes.

Submissions (3):

GeneDx
Classification: Likely pathogenic. Last evaluated: 2026-02-18. Review status: criteria provided, single submitter. Criteria: GeneDx Variant Classification Process June 2021. Collection method: clinical testing. Allele origin: germline.
Comment: This individual also carried single variants in additional candidate genes associated with polycystic kidney disease (PMID: 31507630); Nonsense variant predicted to result in protein truncation as the last 84 amino acid(s) are lost; Not observed at significant frequency in large population cohorts (gnomAD); This variant is associated with the following publications: (PMID: 34941110, 31507630, 23255504)

Labcorp Genetics (formerly Invitae), Labcorp
Classification: Pathogenic for Primary ciliary dyskinesia. Last evaluated: 2025-09-01. Review status: criteria provided, single submitter. Criteria: Invitae Variant Classification Sherloc (09022015). Collection method: clinical testing. Allele origin: germline.
Comment: This sequence change creates a premature translational stop signal (p.Arg1059*) in the CCDC40 gene. While this is not anticipated to result in nonsense mediated decay, it is expected to disrupt the last 84 amino acid(s) of the CCDC40 protein. This variant is not present in population databases (gnomAD no frequency). This premature translational stop signal has been observed in individual(s) with CCDC40-related conditions (PMID: 23255504, 31507630). ClinVar contains an entry for this variant (Variation ID: 1371496). This variant disrupts a region of the CCDC40 protein in which other variant(s) (p.Tyr1118*) have been determined to be pathogenic (internal data). This suggests that this is a clinically significant region of the protein, and that variants that disrupt it are likely to be disease-causing. For these reasons, this variant has been classified as Pathogenic.

Fulgent Genetics
Classification: Likely pathogenic for Primary ciliary dyskinesia 15. Last evaluated: 2022-03-04. Review status: criteria provided, single submitter. Criteria: ACMG Guidelines, 2015. Collection method: clinical testing. Allele origin: unknown.

Literature cited by the submitters: PubMed 23255504 (cited by Labcorp Genetics (formerly Invitae), Labcorp); PubMed 31507630 (cited by Labcorp Genetics (formerly Invitae), Labcorp).

NM_017950.4(CCDC40):c.3175C>T (p.Arg1059Ter)

Gene: CCDC40 (coiled-coil domain 40 molecular ruler complex subunit; plus strand). Cytogenetic location: 17q25.3.
Variant type: single nucleotide variant.
Coding change: c.3175C>T on transcript NM_017950.4 (MANE Select); coding-DNA position 3175, C replaced by T.
Protein change: p.Arg1059Ter; replaces arginine 1059 with a stop codon.
Molecular consequence: nonsense.
Genome position (GRCh38, 1-based): chr17:80,097,398, C>T. VCF-style: chr17-80097398-C-T. GRCh37 (hg19) VCF-style: chr17-78071197-C-T.
Other names: c.3175C>T (NM_017950.3); short protein forms R1059*.
Identifiers: ClinVar variation 1371496 (VCV001371496.10), dbSNP rs1312712049, ClinGen allele CA401356832.